The following is an entry in ClinVar:

NM_001286.5(CLCN6):c.2018A>G (p.Lys673Arg)

Gene: CLCN6 (chloride voltage-gated channel 6; plus strand). Cytogenetic location: 1p36.22.
Variant type: single nucleotide variant.
Coding change: c.2018A>G on transcript NM_001286.5 (MANE Select); coding-DNA position 2018, A replaced by G.
Protein change: p.Lys673Arg; replaces lysine 673 with arginine.
Molecular consequence: missense variant. On other transcripts: non-coding transcript variant (1).
Genome position (GRCh38, 1-based): chr1:11,837,036, A>G. VCF-style: chr1-11837036-A-G. GRCh37 (hg19) VCF-style: chr1-11897093-A-G.
Other names: c.1952A>G, p.Lys651Arg (NM_001256959.2); short protein forms K651R, K673R.
Identifiers: ClinVar variation 4705250 (VCV004705250.1).
Genomic context (GRCh38, chr1:11,837,036, plus strand): 5'-GCCTGTGGCCTCCCCACCCACAGAAATCCAGCATCCTCACCCGGGCTGGCGAGCAGCGCA[A>G]ACGGAGCCAGTCCATGAAGTCCTACCCATCCAGCGAGCTACGGAACATGTGTGATGAGCA-3'
Protein context (NP_001277.2, residues 663-683): SILTRAGEQR[Lys673Arg]RSQSMKSYPS

ClinVar aggregate classification (germline): Uncertain significance (1 of 4 stars; one submission).

gnomAD v4.1: 6 of 1,612,488 alleles (0.00037%); highest among the groups gnomAD compares: Non-Finnish European, 0.00051%; no homozygotes.

Submission:

Labcorp Genetics (formerly Invitae), Labcorp
Classification: Uncertain significance. Last evaluated: 2025-08-20. Review status: criteria provided, single submitter. Criteria: Invitae Variant Classification Sherloc (09022015). Collection method: clinical testing. Allele origin: germline.
Comment: This sequence change replaces lysine, which is basic and polar, with arginine, which is basic and polar, at codon 673 of the CLCN6 protein (p.Lys673Arg). This variant is present in population databases (rs762344951, gnomAD 0.003%). This variant has not been reported in the literature in individuals affected with CLCN6-related conditions. An algorithm developed to predict the effect of missense changes on protein structure and function outputs the following: PolyPhen-2: "Benign". The arginine amino acid residue is found in multiple mammalian species, which suggests that this missense change does not adversely affect protein function. In summary, the available evidence is currently insufficient to determine the role of this variant in disease. Therefore, it has been classified as a Variant of Uncertain Significance.